The following is an entry in ClinVar:

NM_006393.3(NEBL):c.1008+33del

Gene: NEBL (nebulette; minus strand). Cytogenetic location: 10p12.31.
Variant type: Deletion.
Coding change: c.1008+33del on transcript NM_006393.3 (MANE Select); 33 bases into the intron after coding-DNA position 1008, one base deleted (C; older notation c.1008+33delC).
Molecular consequence: intron variant.
Genome position (GRCh38, 1-based): chr10:20,852,512, G deleted on the plus strand (C on the coding strand, the reverse complement: NEBL is on the minus strand); the first of 3 consecutive G bases (chr10:20,852,512-20,852,514); deleting any one gives the same sequence. VCF-style (leftmost placement, unchanged base first): chr10-20852511-AG-A. GRCh37 (hg19) VCF-style: chr10-21141440-AG-A.
Other names: c.250-39572del (NM_001377326.1, NM_001377327.1, NM_001377328.1); c.358-39572del (NM_213569.2, NM_001173484.2, NM_001377322.1); c.301-39572del (NM_001377324.1); c.292-39572del (NM_001377325.1); c.310-39572del (NM_001377323.1).
Identifiers: ClinVar variation 671470 (VCV000671470.1), dbSNP rs3831100, ClinGen allele CA5433005.

ClinVar aggregate classification (germline): Benign (1 of 4 stars; one submission).

Submission:

GeneDx
Classification: Benign. Last evaluated: 2018-06-19. Review status: criteria provided, single submitter. Criteria: GeneDx Variant Classification (06012015). Collection method: clinical testing. Allele origin: germline. Affected: yes.
Comment: This variant is considered likely benign or benign based on one or more of the following criteria: it is a conservative change, it occurs at a poorly conserved position in the protein, it is predicted to be benign by multiple in silico algorithms, and/or has population frequency not consistent with disease.